The following is an entry in ClinVar:

ClinVar aggregate classification (germline): Pathogenic (1 of 4 stars; one submission).

Submission:

Labcorp Genetics (formerly Invitae), Labcorp
Classification: Pathogenic. Last evaluated: 2022-04-30. Review status: criteria provided, single submitter. Criteria: Invitae Variant Classification Sherloc (09022015). Collection method: clinical testing. Allele origin: germline.
Comment: For these reasons, this variant has been classified as Pathogenic. This premature translational stop signal has been observed in individual(s) with autosomal dominant brachydactyly type B (PMID: 10986040, 23238279). In at least one individual the variant was observed to be de novo. It has also been observed to segregate with disease in related individuals. This variant is not present in population databases (gnomAD no frequency). This sequence change creates a premature translational stop signal (p.Gln760*) in the ROR2 gene. While this is not anticipated to result in nonsense mediated decay, it is expected to disrupt the last 184 amino acid(s) of the ROR2 protein.

Literature cited by the submitters: PubMed 10986040; PubMed 23238279.

NM_004560.4(ROR2):c.2278C>T (p.Gln760Ter)

Gene: ROR2 (receptor tyrosine kinase like orphan receptor 2; minus strand). Cytogenetic location: 9q22.31.
Variant type: single nucleotide variant.
Coding change: c.2278C>T on transcript NM_004560.4 (MANE Select); coding-DNA position 2278, C replaced by T.
Protein change: p.Gln760Ter; replaces glutamine 760 with a stop codon.
Molecular consequence: nonsense.
Genome position (GRCh38, 1-based): chr9:91,724,216, G>A on the plus strand (C>T on the coding strand, the complement: ROR2 is on the minus strand). VCF-style: chr9-91724216-G-A. GRCh37 (hg19) VCF-style: chr9-94486498-G-A.
Other names: short protein forms Q760*.
Identifiers: ClinVar variation 2136785 (VCV002136785.4), dbSNP rs2490108821, ClinGen allele CA373794942.